The following is an entry in ClinVar:

ClinVar aggregate classification (germline): Pathogenic. Review status: criteria provided, multiple submitters, no conflicts (2 of 4 stars). 5 submissions from 5 submitters: Pathogenic (4). 1 of the submissions does not count toward it. Last evaluated 2021-11-03.

Conditions:
SIN3A-related disorder. Also called: SIN3A-related condition.
SIN3A-related intellectual disability syndrome due to a point mutation. Also called: WITTEVEEN-KOLK SYNDROME; 15q24 Microdeletion Syndrome. Identifiers: Orphanet 500166, Orphanet 94065, MedGen C4310804, MONDO:0044700, OMIM 613406.

Submissions (5):

Institute for Clinical Genetics, University Hospital TU Dresden, University Hospital TU Dresden
Classification: Pathogenic. Last evaluated: 2021-11-03. Review status: criteria provided, single submitter. Criteria: ACMG Guidelines, 2015. Collection method: clinical testing. Allele origin: germline.

Blueprint Genetics
Classification: Pathogenic for SIN3A-related disorders. Last evaluated: 2021-07-20. Review status: criteria provided, single submitter. Criteria: ACMG Guidelines, 2015. Collection method: clinical testing. Allele origin: de novo. Affected: yes. Observed: 1 variant allele.

GeneDx
Classification: Pathogenic. Last evaluated: 2021-05-28. Review status: criteria provided, single submitter. Criteria: GeneDx Variant Classification Process June 2021. Collection method: clinical testing. Allele origin: germline. Affected: yes.
Comment: Frameshift variant predicted to result in protein truncation or nonsense mediated decay in a gene for which loss-of-function is a known mechanism of disease; Not observed at significant frequency in large population cohorts (Lek et al., 2016); This variant is associated with the following publications: (PMID: 31427378, 27535533, 33144682)

Juno Genomics, Hangzhou Juno Genomics, Inc
Classification: Pathogenic for SIN3A-related intellectual disability syndrome due to a point mutation. Review status: criteria provided, single submitter. Criteria: ACMG Guidelines, 2015. Collection method: clinical testing. Allele origin: germline. Affected: yes.
Comment: Absent from controls (or at extremely low frequency if recessive) in Genome Aggregation Database.;Null variant in a gene where loss of function (LOF) is a known mechanism of disease.;The prevalence of the variant in affected individuals is significantly increased compared to the prevalence in controls.;De novo (both maternity and paternity confirmed) in a patient with the disease and no family history.;Patient's phenotype or family history is highly specific for a disease with a single genetic etiology.

Clinical Genetics Laboratory, University Hospital Schleswig-Holstein
Classification: Likely pathogenic for SIN3A-related intellectual disability syndrome due to a point mutation. Last evaluated: 2021-07-20. Review status: no assertion criteria provided. Collection method: clinical testing. Allele origin: germline. Affected: yes. Not counted in ClinVar's aggregate classification.

NM_001145358.2(SIN3A):c.2809_2810del (p.Lys937fs)

Gene: SIN3A (SIN3 transcription regulator family member A; minus strand). Cytogenetic location: 15q24.2.
Variant type: Deletion.
Coding change: c.2809_2810del on transcript NM_001145358.2 (MANE Select); coding-DNA positions 2809 to 2810, 2 bases deleted (AA; older notation c.2809_2810delAA).
Protein change: p.Lys937fs; shifts the reading frame from lysine 937.
Molecular consequence: frameshift variant.
Genome position (GRCh38, 1-based): chr15:75,392,283-75,392,284, TT deleted on the plus strand (AA on the coding strand, the reverse complement: SIN3A is on the minus strand). VCF-style (leftmost placement, unchanged base first): chr15-75392282-CTT-C. GRCh37 (hg19) VCF-style: chr15-75684623-CTT-C.
Other names: c.2809_2810del, p.Lys937fs (NM_001145357.2, NM_015477.3); c.2809_2810delAA (NM_015477.3, NM_001145358.1); short protein forms K937fs.
Identifiers: ClinVar variation 450723 (VCV000450723.9), dbSNP rs1555443600, ClinGen allele CA658658301.